The following is an entry in ClinVar:

NM_018646.6(TRPV6):c.1743C>T (p.Ile581=)

Gene: TRPV6 (transient receptor potential cation channel subfamily V member 6; minus strand). Cytogenetic location: 7q34.
Variant type: single nucleotide variant.
Coding change: c.1743C>T on transcript NM_018646.6 (MANE Select); coding-DNA position 1743, C replaced by T.
Protein change: p.Ile581=; no amino-acid change (isoleucine 581 retained).
Molecular consequence: synonymous variant.
Genome position (GRCh38, 1-based): chr7:142,873,613, G>A on the plus strand (C>T on the coding strand, the complement: TRPV6 is on the minus strand). VCF-style: chr7-142873613-G-A. GRCh37 (hg19) VCF-style: chr7-142571366-G-A.
Identifiers: ClinVar variation 3714286 (VCV003714286.4).

ClinVar aggregate classification (germline): Likely benign. Review status: criteria provided, multiple submitters, no conflicts (2 of 4 stars). 3 submissions from 3 submitters: Likely benign (3). Last evaluated 2026-07-01.

gnomAD v4.1: 235 of 1,614,108 alleles (0.015%); highest among the groups gnomAD compares: Non-Finnish European, 0.018%; no homozygotes.

Submissions (3):

CeGaT Center for Human Genetics Tuebingen
Classification: Likely benign. Last evaluated: 2026-07-01. Review status: criteria provided, single submitter. Criteria: CeGaT Center For Human Genetics Tuebingen Variant Classification Criteria Version 2. Collection method: clinical testing. Allele origin: germline. Affected: yes. Observed: 1 variant allele.
Comment: TRPV6: BP4, BP7

Labcorp Genetics (formerly Invitae), Labcorp
Classification: Likely benign. Last evaluated: 2026-01-03. Review status: criteria provided, single submitter. Criteria: Invitae Variant Classification Sherloc (09022015). Collection method: clinical testing. Allele origin: germline.

Blueprint Genetics
Classification: Likely benign. Last evaluated: 2024-11-14. Review status: criteria provided, single submitter. Criteria: ACMG Guidelines, 2015. Collection method: clinical testing. Allele origin: germline.